The following is an entry in ClinVar:

ClinVar aggregate classification (germline): Uncertain significance (1 of 4 stars; one submission).

Conditions:
Tuberous sclerosis 2 (TSC2). Identifiers: Orphanet 805, MedGen C1860707, MONDO:0013199, OMIM 613254.

Submission:

Labcorp Genetics (formerly Invitae), Labcorp
Classification: Uncertain significance for Tuberous sclerosis 2. Last evaluated: 2025-08-06. Review status: criteria provided, single submitter. Criteria: Invitae Variant Classification Sherloc (09022015). Collection method: clinical testing. Allele origin: germline.
Comment: This sequence change replaces isoleucine, which is neutral and non-polar, with phenylalanine, which is neutral and non-polar, at codon 39 of the TSC2 protein (p.Ile39Phe). This variant is not present in population databases (gnomAD no frequency). This variant has not been reported in the literature in individuals affected with TSC2-related conditions. Invitae Evidence Modeling of protein sequence and biophysical properties (such as structural, functional, and spatial information, amino acid conservation, physicochemical variation, residue mobility, and thermodynamic stability) indicates that this missense variant is not expected to disrupt TSC2 protein function with a negative predictive value of 95%. In summary, the available evidence is currently insufficient to determine the role of this variant in disease. Therefore, it has been classified as a Variant of Uncertain Significance.

NM_000548.5(TSC2):c.115A>T (p.Ile39Phe)

Gene: TSC2 (TSC complex subunit 2; plus strand). Cytogenetic location: 16p13.3.
Variant type: single nucleotide variant.
Coding change: c.115A>T on transcript NM_000548.5 (MANE Select); coding-DNA position 115, A replaced by T.
Protein change: p.Ile39Phe; replaces isoleucine 39 with phenylalanine.
Molecular consequence: missense variant. On other transcripts: 5 prime UTR variant (19), non-coding transcript variant (5), intron variant (6).
Genome position (GRCh38, 1-based): chr16:2,048,730, A>T. VCF-style: chr16-2048730-A-T. GRCh37 (hg19) VCF-style: chr16-2098731-A-T.
Other names: c.115A>T, p.Ile39Phe (NM_001077183.3, NM_001114382.3, NM_001318827.2 and 13 more transcripts); c.-112A>T (NM_001318831.2, NM_001406682.1, NM_001406684.1 and 2 more transcripts); c.148A>T, p.Ile50Phe (NM_001318832.2); c.-702A>T (NM_001406680.1, NM_001406683.1, NM_001406687.1); c.-331A>T (NM_001406681.1); c.-1317A>T (NM_001406689.1, NM_001406690.1, NM_001406691.1 and 2 more transcripts); c.-1623A>T (NM_001406693.1); c.-1198A>T (NM_001406694.1, NM_001406695.1); and 4 more; short protein forms I39F, I50F.
Identifiers: ClinVar variation 4802828 (VCV004802828.1).